The following is an entry in ClinVar:

NM_000021.4(PSEN1):c.481G>A (p.Val161Ile)

Gene: PSEN1 (presenilin 1; plus strand). Cytogenetic location: 14q24.2.
Variant type: single nucleotide variant.
Coding change: c.481G>A on transcript NM_000021.4 (MANE Select); coding-DNA position 481, G replaced by A.
Protein change: p.Val161Ile; replaces valine 161 with isoleucine.
Molecular consequence: missense variant.
Genome position (GRCh38, 1-based): chr14:73,186,853, G>A. VCF-style: chr14-73186853-G-A. GRCh37 (hg19) VCF-style: chr14-73653561-G-A.
Other names: c.469G>A, p.Val157Ile (NM_007318.3); c.481G>A (NM_000021.3); short protein forms V157I, V161I.
Identifiers: ClinVar variation 1016327 (VCV001016327.10), dbSNP rs1898533490, ClinGen allele CA390295845.

ClinVar aggregate classification (germline): Uncertain significance. Review status: criteria provided, multiple submitters, no conflicts (2 of 4 stars). 2 submissions from 2 submitters: Uncertain significance (2). Last evaluated 2025-01-04.

Conditions:
Alzheimer disease 3 (AD3). Also called: ALZHEIMER DISEASE, FAMILIAL, 3. Identifiers: Orphanet 1020, MedGen C1843013, MONDO:0011913, OMIM 607822.
Pick disease. Also called: PICK DISEASE OF BRAIN; DEMENTIA WITH LOBAR ATROPHY AND NEURONAL CYTOPLASMIC INCLUSIONS; LOBAR ATROPHY OF BRAIN; Pick's disease; Pick Disease of the Brain. Identifiers: Orphanet 282, MedGen C0236642, MONDO:0008243, OMIM 172700.
Frontotemporal dementia (FTD1). Also called: FRONTOTEMPORAL LOBAR DEGENERATION WITH TAU INCLUSIONS; FTLD WITH TAU INCLUSIONS; FRONTOTEMPORAL DEMENTIA WITH PARKINSONISM; FRONTOTEMPORAL LOBE DEMENTIA; MULTIPLE SYSTEM TAUOPATHY WITH PRESENILE DEMENTIA; Frontotemporal Dementia with Parkinsonism-17 (FTDP-17). Identifiers: Orphanet 282, MedGen C0338451, MONDO:0017276, OMIM 600274, HP:0002145.
Acne inversa, familial, 3 (ACNINV3). Identifiers: MedGen C3151038, MONDO:0013398, OMIM 613737.
Inborn genetic diseases. Identifiers: MedGen C0950123, MeSH D030342.

Allele frequency attached by ClinVar (database versions not stated): gnomAD exomes below 0.00001; TOPMed below 0.00001.
gnomAD v4.1: 6 of 1,608,502 alleles (0.00037%); highest among the groups gnomAD compares: Non-Finnish European, 0.00051%; no homozygotes.

Submissions (2):

Ambry Genetics
Classification: Uncertain significance for Inborn genetic diseases. Last evaluated: 2025-01-04. Review status: criteria provided, single submitter. Criteria: Ambry Variant Classification Scheme 2023. Collection method: clinical testing. Allele origin: germline.

Labcorp Genetics (formerly Invitae), Labcorp
Classification: Uncertain significance for Alzheimer disease 3; Pick disease; Acne inversa, familial, 3; Frontotemporal dementia. Last evaluated: 2022-01-05. Review status: criteria provided, single submitter. Criteria: Invitae Variant Classification Sherloc (09022015). Collection method: clinical testing. Allele origin: germline.
Comment: In summary, the available evidence is currently insufficient to determine the role of this variant in disease. Therefore, it has been classified as a Variant of Uncertain Significance. Algorithms developed to predict the effect of missense changes on protein structure and function are either unavailable or do not agree on the potential impact of this missense change (SIFT: "Tolerated"; PolyPhen-2: "Probably Damaging"; Align-GVGD: "Class C0"). ClinVar contains an entry for this variant (Variation ID: 1016327). This variant has not been reported in the literature in individuals affected with PSEN1-related conditions. This variant is not present in population databases (gnomAD no frequency). This sequence change replaces valine, which is neutral and non-polar, with isoleucine, which is neutral and non-polar, at codon 161 of the PSEN1 protein (p.Val161Ile).